The following is an entry in ClinVar:

NC_000001.10:g.(?_216221876)_(216270555_?)del

Gene: USH2A (usherin; minus strand). Cytogenetic location: 1q41.
Variant type: Deletion.
Identifiers: ClinVar variation 1076629 (VCV001076629.7).

ClinVar aggregate classification (germline): Pathogenic (1 of 4 stars; one submission).

Submission:

Labcorp Genetics (formerly Invitae), Labcorp
Classification: Pathogenic. Last evaluated: 2020-03-03. Review status: criteria provided, single submitter. Criteria: Invitae Variant Classification Sherloc (09022015). Collection method: clinical testing. Allele origin: germline.
Comment: For these reasons, this variant has been classified as Pathogenic. The region of the USH2A gene that includes exon(s) 22-23 has been determined to be clinically significant (PMID: 25352746, 25804404, 27460420, 17405132, 23924366). Therefore, deletions that encompass that region are likely to disrupt protein function and cause disease. This variant has not been reported in the literature in individuals with USH2A-related conditions. This variant is an in-frame deletion of the genomic region encompassing exon(s) 22-31 of the USH2A gene. It preserves the integrity of the reading frame.

Literature cited by the submitters: PubMed 25352746; PubMed 25804404; PubMed 27460420; PubMed 17405132; PubMed 23924366.